The following is an entry in ClinVar:

ClinVar aggregate classification (germline): Uncertain significance (1 of 4 stars; one submission).

Submission:

Ambry Genetics
Classification: Uncertain significance. Last evaluated: 2022-04-19. Review status: criteria provided, single submitter. Criteria: Ambry Variant Classification Scheme 2023. Collection method: clinical testing. Allele origin: germline.
Comment: The p.A973S variant (also known as c.2917G>T), located in coding exon 26 of the KIF1B gene, results from a G to T substitution at nucleotide position 2917. The alanine at codon 973 is replaced by serine, an amino acid with similar properties. This amino acid position is conserved. In addition, the in silico prediction for this alteration is inconclusive. Since supporting evidence is limited at this time, the clinical significance of this alteration remains unclear.

NM_001365951.3(KIF1B):c.3055G>T (p.Ala1019Ser)

Gene: KIF1B (kinesin family member 1B; plus strand). Cytogenetic location: 1p36.22.
Variant type: single nucleotide variant.
Coding change: c.3055G>T on transcript NM_001365951.3 (MANE Select); coding-DNA position 3055, G replaced by T.
Protein change: p.Ala1019Ser; replaces alanine 1019 with serine.
Molecular consequence: missense variant.
Genome position (GRCh38, 1-based): chr1:10,336,668, G>T. VCF-style: chr1-10336668-G-T. GRCh37 (hg19) VCF-style: chr1-10396726-G-T.
Other names: c.3055G>T, p.Ala1019Ser (NM_001365952.1); c.2917G>T, p.Ala973Ser (NM_015074.3); short protein forms A973S, A1019S.
Identifiers: ClinVar variation 1797644 (VCV001797644.3), dbSNP rs1652193410, ClinGen allele CA338339277.